The following is an entry in ClinVar:

NM_006904.7(PRKDC):c.4630G>A (p.Gly1544Ser)

Gene: PRKDC (protein kinase, DNA-activated, catalytic subunit; minus strand). Cytogenetic location: 8q11.21.
Variant type: single nucleotide variant.
Coding change: c.4630G>A on transcript NM_006904.7 (MANE Select); coding-DNA position 4630, G replaced by A.
Protein change: p.Gly1544Ser; replaces glycine 1544 with serine.
Molecular consequence: missense variant.
Genome position (GRCh38, 1-based): chr8:47,886,090, C>T on the plus strand (G>A on the coding strand, the complement: PRKDC is on the minus strand). VCF-style: chr8-47886090-C-T. GRCh37 (hg19) VCF-style: chr8-48798651-C-T.
Other names: c.4630G>A, p.Gly1544Ser (NM_001081640.2); short protein forms G1544S.
Identifiers: ClinVar variation 541991 (VCV000541991.8), dbSNP rs746489977, ClinGen allele CA4740839.
Genomic context (GRCh38, chr8:47,886,090, plus strand): 5'-AGAACAAGCTATAGAAATACTCCCCATGGGAGAAGTGGATGACGCTGCCCTGTGAGCTGC[C>T]CAAGGACGCCGTGGACAGCACCGCTGGGTTCAGGAGAAGACTCACAAGGCGCTCACACTG-3'
Protein context (NP_008835.5, residues 1534-1554): NPAVLSTASL[Gly1544Ser]SSQGSVIHFS

ClinVar aggregate classification (germline): Uncertain significance. Review status: criteria provided, multiple submitters, no conflicts (2 of 4 stars). 2 submissions from 2 submitters: Uncertain significance (2). Last evaluated 2025-10-22.

Conditions:
Severe combined immunodeficiency due to DNA-PKcs deficiency. Also called: IMMUNODEFICIENCY 26 WITH NEUROLOGIC ABNORMALITIES; Immunodeficiency 26 with or without neurologic abnormalities. Identifiers: Orphanet 317425, MedGen C4014833, MONDO:0014423, OMIM 615966.

Allele frequency attached by ClinVar (database versions not stated): gnomAD 0.00002; TOPMed 0.00002; ExAC 0.00004; gnomAD exomes 0.00004.
gnomAD v4.1: 61 of 1,613,372 alleles (0.0038%); highest among the groups gnomAD compares: Non-Finnish European, 0.0049%; no homozygotes.

Submissions (2):

Labcorp Genetics (formerly Invitae), Labcorp
Classification: Uncertain significance for Severe combined immunodeficiency due to DNA-PKcs deficiency. Last evaluated: 2025-10-22. Review status: criteria provided, single submitter. Criteria: Invitae Variant Classification Sherloc (09022015). Collection method: clinical testing. Allele origin: germline.
Comment: This sequence change replaces glycine, which is neutral and non-polar, with serine, which is neutral and polar, at codon 1544 of the PRKDC protein (p.Gly1544Ser). This variant is present in population databases (rs746489977, gnomAD 0.006%). This variant has not been reported in the literature in individuals affected with PRKDC-related conditions. ClinVar contains an entry for this variant (Variation ID: 541991). Invitae Evidence Modeling of protein sequence and biophysical properties (such as structural, functional, and spatial information, amino acid conservation, physicochemical variation, residue mobility, and thermodynamic stability) indicates that this missense variant is not expected to disrupt PRKDC protein function with a negative predictive value of 80%. In summary, the available evidence is currently insufficient to determine the role of this variant in disease. Therefore, it has been classified as a Variant of Uncertain Significance.

Breakthrough Genomics
Classification: Uncertain significance. Review status: criteria provided, single submitter. Criteria: ACMG Guidelines, 2015. Collection method: not provided. Allele origin: germline. Inheritance: Autosomal recessive inheritance. Affected: yes.